The following is an entry in ClinVar:

ClinVar aggregate classification (germline): Uncertain significance (1 of 4 stars; one submission).

gnomAD v4.1: 37 of 1,613,824 alleles (0.0023%); highest among the groups gnomAD compares: Middle Eastern, 0.033%; no homozygotes.

Submission:

GeneDx
Classification: Uncertain significance. Last evaluated: 2024-09-19. Review status: criteria provided, single submitter. Criteria: GeneDx Variant Classification Process June 2021. Collection method: clinical testing. Allele origin: germline. Affected: yes.
Comment: In silico analysis supports that this missense variant has a deleterious effect on protein structure/function; Has not been previously published as pathogenic or benign to our knowledge

NM_003791.4(MBTPS1):c.34G>A (p.Val12Met)

Gene: MBTPS1 (membrane bound transcription factor peptidase, site 1; minus strand). Cytogenetic location: 16q24.1.
Variant type: single nucleotide variant.
Coding change: c.34G>A on transcript NM_003791.4 (MANE Select); coding-DNA position 34, G replaced by A.
Protein change: p.Val12Met; replaces valine 12 with methionine.
Molecular consequence: missense variant.
Genome position (GRCh38, 1-based): chr16:84,101,750, C>T on the plus strand (G>A on the coding strand, the complement: MBTPS1 is on the minus strand). VCF-style: chr16-84101750-C-T. GRCh37 (hg19) VCF-style: chr16-84135355-C-T.
Other names: short protein forms V12M.
Identifiers: ClinVar variation 3774045 (VCV003774045.1).
Genomic context (GRCh38, chr16:84,101,750, plus strand): 5'-TTTCAAAAGATTTCTTTTCCAGTCTGTCGCCCAGATGTTTCTTCCCACAGAGCAAAACCA[C>T]GAGCAGAAGCAGCCAGATGTTGACAAGCTTCATGGTCACAAGCGAATATGATCATAAAAT-3'
Protein context (NP_003782.1, residues 2-22): KLVNIWLLLL[Val12Met]VLLCGKKHLG